The following is an entry in ClinVar:

NM_000257.4(MYH7):c.5155C>A (p.Gln1719Lys)

Genes: MHRT (myosin heavy chain associated RNA transcript; plus strand), MYH7 (myosin heavy chain 7; minus strand), LOC126861897 (BRD4-independent group 4 enhancer GRCh37_chr14:23884455-23885654; plus strand). Cytogenetic location: 14q11.2.
Variant type: single nucleotide variant.
Coding change: c.5155C>A on transcript NM_000257.4 (MANE Select); coding-DNA position 5155, C replaced by A.
Protein change: p.Gln1719Lys; replaces glutamine 1719 with lysine.
Molecular consequence: missense variant. On other transcripts: non-coding transcript variant (1).
Genome position (GRCh38, 1-based): chr14:23,415,631, G>T on the plus strand (C>A on the coding strand, the complement: MYH7 is on the minus strand). VCF-style: chr14-23415631-G-T. GRCh37 (hg19) VCF-style: chr14-23884840-G-T.
Other names: c.5155C>A, p.Gln1719Lys (NM_001407004.1); short protein forms Q1719K.
Identifiers: ClinVar variation 4729098 (VCV004729098.1).

ClinVar aggregate classification (germline): Uncertain significance (1 of 4 stars; one submission).

Conditions:
Hypertrophic cardiomyopathy. Also called: HYPERTROPHIC MYOCARDIOPATHY. Identifiers: Orphanet 217569, MedGen C0007194, MeSH D002312, MONDO:0005045, HP:0001639.

Submission:

Labcorp Genetics (formerly Invitae), Labcorp
Classification: Uncertain significance for Hypertrophic cardiomyopathy. Last evaluated: 2025-10-13. Review status: criteria provided, single submitter. Criteria: Invitae Variant Classification Sherloc (09022015). Collection method: clinical testing. Allele origin: germline.
Comment: This sequence change replaces glutamine, which is neutral and polar, with lysine, which is basic and polar, at codon 1719 of the MYH7 protein (p.Gln1719Lys). This variant is not present in population databases (gnomAD no frequency). This variant has not been reported in the literature in individuals affected with MYH7-related conditions. An algorithm developed to predict the effect of missense changes on protein structure and function (PolyPhen-2) suggests that this variant is likely to be disruptive. In summary, the available evidence is currently insufficient to determine the role of this variant in disease. Therefore, it has been classified as a Variant of Uncertain Significance.